The following is an entry in ClinVar:

ClinVar aggregate classification (germline): Uncertain significance. Review status: criteria provided, multiple submitters, no conflicts (2 of 4 stars). 2 submissions from 2 submitters: Uncertain significance (2). Last evaluated 2026-07-20.

Conditions:
CYP4V2-related disorder. Also called: CYP4V2-related condition; CYP4V2-related disorders.

Allele frequency attached by ClinVar (database versions not stated): gnomAD exomes 0.00002 and 0.00003; TOPMed 0.00003; gnomAD 0.00004; ExAC 0.00002.
gnomAD v4.1: 55 of 1,612,938 alleles (0.0034%); highest among the groups gnomAD compares: Middle Eastern, 0.037%; no homozygotes.

Submissions (2):

PreventionGenetics, part of Exact Sciences
Classification: Uncertain significance for CYP4V2-related condition. Last evaluated: 2026-07-20. Review status: criteria provided, single submitter. Criteria: ACMG Guidelines, 2015. Collection method: clinical testing. Allele origin: germline.
Comment: The CYP4V2 c.431G>A variant is predicted to result in the amino acid substitution p.Arg144His. To our knowledge, this variant has not been reported in the literature. This variant is reported in 0.0098% of alleles in individuals of South Asian descent in gnomAD. At this time, the clinical significance of this variant is uncertain due to the absence of conclusive functional and genetic evidence.

Labcorp Genetics (formerly Invitae), Labcorp
Classification: Uncertain significance. Last evaluated: 2025-02-03. Review status: criteria provided, single submitter. Criteria: Invitae Variant Classification Sherloc (09022015). Collection method: clinical testing. Allele origin: germline.
Comment: This sequence change replaces arginine, which is basic and polar, with histidine, which is basic and polar, at codon 144 of the CYP4V2 protein (p.Arg144His). This variant is present in population databases (rs779534809, gnomAD 0.01%). This variant has not been reported in the literature in individuals affected with CYP4V2-related conditions. ClinVar contains an entry for this variant (Variation ID: 1061602). Invitae Evidence Modeling of protein sequence and biophysical properties (such as structural, functional, and spatial information, amino acid conservation, physicochemical variation, residue mobility, and thermodynamic stability) has been performed for this missense variant. However, the output from this modeling did not meet the statistical confidence thresholds required to predict the impact of this variant on CYP4V2 protein function. In summary, the available evidence is currently insufficient to determine the role of this variant in disease. Therefore, it has been classified as a Variant of Uncertain Significance.

NM_207352.4(CYP4V2):c.431G>A (p.Arg144His)

Gene: CYP4V2 (cytochrome P450 family 4 subfamily V member 2; plus strand). Cytogenetic location: 4q35.1.
Variant type: single nucleotide variant.
Coding change: c.431G>A on transcript NM_207352.4 (MANE Select); coding-DNA position 431, G replaced by A.
Protein change: p.Arg144His; replaces arginine 144 with histidine.
Molecular consequence: missense variant.
Genome position (GRCh38, 1-based): chr4:186,196,957, G>A. VCF-style: chr4-186196957-G-A. GRCh37 (hg19) VCF-style: chr4-187118111-G-A.
Other names: c.431G>A (NM_207352.3); short protein forms R144H.
Identifiers: ClinVar variation 1061602 (VCV001061602.6), dbSNP rs779534809, ClinGen allele CA3162561.